The following is an entry in ClinVar:

ClinVar aggregate classification (germline): Benign. Review status: criteria provided, multiple submitters, no conflicts (2 of 4 stars). 3 submissions from 3 submitters: Benign (3). Last evaluated 2018-06-19.

Conditions:
Congenital myasthenic syndrome (CMS). Also called: Congenital Myasthenic Syndromes. Identifiers: Orphanet 590, MedGen C0751882, MeSH D020294, MONDO:0018940.

Allele frequency attached by ClinVar (database versions not stated): 1000 Genomes Project 0.58407; gnomAD 0.46557 and 0.46955; TOPMed 0.47272; 1000 Genomes Project 30x 0.58260.
gnomAD v4.1: 433,257 of 1,134,788 alleles (38%); highest among the groups gnomAD compares: African/African-American, 70%; 90,716 homozygotes.

Submissions (3):

GeneDx
Classification: Benign. Last evaluated: 2018-06-19. Review status: criteria provided, single submitter. Criteria: GeneDx Variant Classification Process June 2021. Collection method: clinical testing. Allele origin: germline. Affected: yes.

Illumina Laboratory Services, Illumina
Classification: Benign for Congenital myasthenic syndrome. Last evaluated: 2018-01-12. Review status: criteria provided, single submitter. Criteria: ICSL Variant Classification Criteria 13 December 2019. Collection method: clinical testing. Allele origin: germline.
Comment: This variant was observed in the ICSL laboratory as part of a predisposition screen in an ostensibly healthy population. It had not been previously curated by ICSL or reported in the Human Gene Mutation Database (HGMD: prior to June 1st, 2018), and was therefore a candidate for classification through an automated scoring system. Utilizing variant allele frequency, disease prevalence and penetrance estimates, and inheritance mode, an automated score was calculated to assess if this variant is too frequent to cause the disease. Based on the score and internal cut-off values, a variant classified as benign is not then subjected to further curation. The score for this variant resulted in a classification of benign for this disease.

Breakthrough Genomics
Classification: Benign. Review status: criteria provided, single submitter. Criteria: ACMG Guidelines, 2015. Collection method: not provided. Allele origin: germline. Inheritance: Autosomal recessive inheritance. Affected: yes.

NM_000080.4(CHRNE):c.*144T>C

Gene: CHRNE (cholinergic receptor nicotinic epsilon subunit; minus strand). Cytogenetic location: 17p13.2.
Variant type: single nucleotide variant.
Coding change: c.*144T>C on transcript NM_000080.4 (MANE Select); 144 bases downstream of the stop codon, T replaced by C.
Molecular consequence: 3 prime UTR variant.
Genome position (GRCh38, 1-based): chr17:4,898,592, A>G on the plus strand (T>C on the coding strand, the complement: CHRNE is on the minus strand). VCF-style: chr17-4898592-A-G. GRCh37 (hg19) VCF-style: chr17-4801887-A-G.
Other names: c.*144T>C (LRG_1254t1).
Identifiers: ClinVar variation 323972 (VCV000323972.7), dbSNP rs12936083, ClinGen allele CA10650464.